The following is an entry in ClinVar:

ClinVar aggregate classification (germline): Likely benign. Review status: criteria provided, multiple submitters, no conflicts (2 of 4 stars). 4 submissions from 4 submitters: Likely benign (3). 1 of the submissions does not count toward it. Last evaluated 2025-11-12.

Conditions:
Metachromatic leukodystrophy (MLD). Also called: ARSA DEFICIENCY; CEREBROSIDE SULFATASE DEFICIENCY; Cerebral sclerosis diffuse metachromatic form; Arylsulfatase A Deficiency; METACHROMATIC LEUKOENCEPHALOPATHY; SULFATIDE LIPIDOSIS. Identifiers: Orphanet 512, MedGen C0023522, MONDO:0018868, OMIM 250100.
Sphingolipid activator protein 1 deficiency. Also called: Saposin B Deficiency; Metachromatic leukodystrophy due to saposin B deficiency; METACHROMATIC LEUKODYSTROPHY DUE TO CEREBROSIDE SULFATASE ACTIVATOR DEFICIENCY. Identifiers: Orphanet 512, MedGen C0268262, MONDO:0009590, OMIM 249900.

Allele frequency attached by ClinVar (database versions not stated): ExAC 0.00003; gnomAD exomes 0.00006 and 0.00007; gnomAD 0.00007; TOPMed 0.00013.
gnomAD v4.1: 110 of 1,614,086 alleles (0.0068%); highest among the groups gnomAD compares: Admixed American, 0.023%; no homozygotes.

Submissions (4):

Labcorp Genetics (formerly Invitae), Labcorp
Classification: Likely benign for Sphingolipid activator protein 1 deficiency. Last evaluated: 2025-11-12. Review status: criteria provided, single submitter. Criteria: Invitae Variant Classification Sherloc (09022015). Collection method: clinical testing. Allele origin: germline.

Blueprint Genetics
Classification: Likely benign. Last evaluated: 2024-11-17. Review status: criteria provided, single submitter. Criteria: ACMG Guidelines, 2015. Collection method: clinical testing. Allele origin: germline.

CeGaT Center for Human Genetics Tuebingen
Classification: Likely benign. Last evaluated: 2022-05-01. Review status: criteria provided, single submitter. Criteria: CeGaT Center For Human Genetics Tuebingen Variant Classification Criteria Version 2. Collection method: clinical testing. Allele origin: germline. Affected: yes. Observed: 1 variant allele.
Comment: PSAP: BP4, BP7

Natera, Inc.
Classification: Uncertain significance for Metachromatic leukodystrophy. Last evaluated: 2020-01-24. Review status: no assertion criteria provided. Collection method: clinical testing. Allele origin: germline. Not counted in ClinVar's aggregate classification.

NM_002778.4(PSAP):c.864C>T (p.Ala288=)

Gene: PSAP (prosaposin; minus strand). Cytogenetic location: 10q22.1.
Variant type: single nucleotide variant.
Coding change: c.864C>T on transcript NM_002778.4 (MANE Select); coding-DNA position 864, C replaced by T.
Protein change: p.Ala288=; no amino-acid change (alanine 288 retained).
Molecular consequence: synonymous variant.
Genome position (GRCh38, 1-based): chr10:71,821,921, G>A on the plus strand (C>T on the coding strand, the complement: PSAP is on the minus strand). VCF-style: chr10-71821921-G-A. GRCh37 (hg19) VCF-style: chr10-73581678-G-A.
Other names: c.873C>T, p.Ala291= (NM_001042465.3); c.870C>T, p.Ala290= (NM_001042466.3).
Identifiers: ClinVar variation 749363 (VCV000749363.37), dbSNP rs747491605, ClinGen allele CA5547589.